The following is an entry in ClinVar:

ClinVar aggregate classification (germline): Uncertain significance (1 of 4 stars; one submission).

Conditions:
Beckwith-Wiedemann syndrome (BWS). Also called: Exomphalos macroglossia gigantism syndrome; EMG SYNDROME. Identifiers: Orphanet 116, MedGen C0004903, MONDO:0007534, OMIM 130650.

Submission:

Labcorp Genetics (formerly Invitae), Labcorp
Classification: Uncertain significance for Beckwith-Wiedemann syndrome. Last evaluated: 2023-12-18. Review status: criteria provided, single submitter. Criteria: Invitae Variant Classification Sherloc (09022015). Collection method: clinical testing. Allele origin: germline.
Comment: This sequence change replaces glutamic acid, which is acidic and polar, with lysine, which is basic and polar, at codon 131 of the CDKN1C protein (p.Glu131Lys). This variant is not present in population databases (gnomAD no frequency). This variant has not been reported in the literature in individuals affected with CDKN1C-related conditions. ClinVar contains an entry for this variant (Variation ID: 846315). Advanced modeling of protein sequence and biophysical properties (such as structural, functional, and spatial information, amino acid conservation, physicochemical variation, residue mobility, and thermodynamic stability) performed at Invitae indicates that this missense variant is not expected to disrupt CDKN1C protein function with a negative predictive value of 80%. In summary, the available evidence is currently insufficient to determine the role of this variant in disease. Therefore, it has been classified as a Variant of Uncertain Significance.

NM_001122630.2(CDKN1C):c.358G>A (p.Glu120Lys)

Gene: CDKN1C (cyclin dependent kinase inhibitor 1C; minus strand). Cytogenetic location: 11p15.4.
Variant type: single nucleotide variant.
Coding change: c.358G>A on transcript NM_001122630.2 (MANE Select); coding-DNA position 358, G replaced by A.
Protein change: p.Glu120Lys; replaces glutamic acid 120 with lysine.
Molecular consequence: missense variant. On other transcripts: intron variant (1).
Genome position (GRCh38, 1-based): chr11:2,885,099, C>T on the plus strand (G>A on the coding strand, the complement: CDKN1C is on the minus strand). VCF-style: chr11-2885099-C-T. GRCh37 (hg19) VCF-style: chr11-2906329-C-T.
Other names: c.391G>A, p.Glu131Lys (NM_000076.2, NM_001362474.2); c.358G>A, p.Glu120Lys (NM_001122631.2); c.255+103G>A (NM_001362475.2); short protein forms E131K, E120K.
Identifiers: ClinVar variation 846315 (VCV000846315.7), dbSNP rs1848959537, ClinGen allele CA379146795.